The following is an entry in ClinVar:

NM_182493.3(MYLK3):c.2208T>A (p.Phe736Leu)

Gene: MYLK3 (myosin light chain kinase 3; minus strand). Cytogenetic location: 16q11.2.
Variant type: single nucleotide variant.
Coding change: c.2208T>A on transcript NM_182493.3 (MANE Select); coding-DNA position 2208, T replaced by A.
Protein change: p.Phe736Leu; replaces phenylalanine 736 with leucine.
Molecular consequence: missense variant.
Genome position (GRCh38, 1-based): chr16:46,710,696, A>T on the plus strand (T>A on the coding strand, the complement: MYLK3 is on the minus strand). VCF-style: chr16-46710696-A-T. GRCh37 (hg19) VCF-style: chr16-46744608-A-T.
Other names: c.1185T>A, p.Phe395Leu (NM_001308301.1); short protein forms F395L, F736L.
Identifiers: ClinVar variation 2707250 (VCV002707250.3), dbSNP rs750306971, ClinGen allele CA8037652.
Genomic context (GRCh38, chr16:46,710,696, plus strand): 5'-CCTCTTCTCTTTGACCAGCAACCGGGAAACAAAGTCCTTGGCCTCCTCCGAGAGCCCTTC[A>T]AAGGTGTCAGCATCAAAATCCCAGCTACAGTTTACAATGAAATTCATGGTCTCTGCATCT-3'
Protein context (NP_872299.2, residues 726-746): NCSWDFDADT[Phe736Leu]EGLSEEAKDF

ClinVar aggregate classification (germline): Uncertain significance (1 of 4 stars; one submission).

Allele frequency attached by ClinVar (database versions not stated): ExAC 0.00001.

Submission:

Labcorp Genetics (formerly Invitae), Labcorp
Classification: Uncertain significance. Last evaluated: 2024-01-03. Review status: criteria provided, single submitter. Criteria: Invitae Variant Classification Sherloc (09022015). Collection method: clinical testing. Allele origin: germline.
Comment: This sequence change replaces phenylalanine, which is neutral and non-polar, with leucine, which is neutral and non-polar, at codon 736 of the MYLK3 protein (p.Phe736Leu). This variant is present in population databases (rs750306971, gnomAD 0.0009%). This variant has not been reported in the literature in individuals affected with MYLK3-related conditions. An algorithm developed to predict the effect of missense changes on protein structure and function (PolyPhen-2) suggests that this variant is likely to be disruptive. In summary, the available evidence is currently insufficient to determine the role of this variant in disease. Therefore, it has been classified as a Variant of Uncertain Significance.